The following is an entry in ClinVar:

ClinVar aggregate classification (germline): Uncertain significance. Review status: criteria provided, multiple submitters, no conflicts (2 of 4 stars). 2 submissions from 2 submitters: Uncertain significance (2). Last evaluated 2024-02-14.

Conditions:
Familial cancer of breast. Also called: Hereditary breast cancer; BREAST CANCER, FAMILIAL; hereditary breast carcinoma. Identifiers: Orphanet 227535, MedGen C0346153, MONDO:0016419, OMIM 114480. Disease mechanism: loss of function.

Submissions (2):

Quest Diagnostics Nichols Institute San Juan Capistrano
Classification: Uncertain significance. Last evaluated: 2024-02-14. Review status: criteria provided, single submitter. Criteria: Quest Diagnostics criteria. Collection method: clinical testing. Allele origin: unknown.
Comment: The BARD1 c.1469C>G (p.Thr490Ser) variant has not been reported in individuals with BARD1-related conditions in the published literature. It also has not been reported in large, multi-ethnic general populations (Genome Aggregation Database). Analysis of this variant using bioinformatics tools for the prediction of the effect of amino acid changes on protein structure and function yielded conflicting predictions that this variant is benign or damaging. Based on the available information, we are unable to determine the clinical significance of this variant.

Labcorp Genetics (formerly Invitae), Labcorp
Classification: Uncertain significance for Familial cancer of breast. Last evaluated: 2023-07-28. Review status: criteria provided, single submitter. Criteria: Invitae Variant Classification Sherloc (09022015). Collection method: clinical testing. Allele origin: germline.
Comment: An algorithm developed to predict the effect of missense changes on protein structure and function (PolyPhen-2) suggests that this variant is likely to be tolerated. In summary, the available evidence is currently insufficient to determine the role of this variant in disease. Therefore, it has been classified as a Variant of Uncertain Significance. This variant has not been reported in the literature in individuals affected with BARD1-related conditions. This variant is not present in population databases (gnomAD no frequency). This sequence change replaces threonine, which is neutral and polar, with serine, which is neutral and polar, at codon 490 of the BARD1 protein (p.Thr490Ser).

NM_000465.4(BARD1):c.1469C>G (p.Thr490Ser)

Gene: BARD1 (BRCA1 associated RING domain 1; minus strand). Cytogenetic location: 2q35.
Variant type: single nucleotide variant.
Coding change: c.1469C>G on transcript NM_000465.4 (MANE Select); coding-DNA position 1469, C replaced by G.
Protein change: p.Thr490Ser; replaces threonine 490 with serine.
Molecular consequence: missense variant. On other transcripts: non-coding transcript variant (3), intron variant (3).
Genome position (GRCh38, 1-based): chr2:214,767,581, G>C on the plus strand (C>G on the coding strand, the complement: BARD1 is on the minus strand). VCF-style: chr2-214767581-G-C. GRCh37 (hg19) VCF-style: chr2-215632305-G-C.
Other names: c.1469C>G (NM_000465.3); c.1412C>G, p.Thr471Ser (NM_001282543.2); c.159-15026C>G (NM_001282548.2); c.216-15026C>G (NM_001282545.2); c.364+24716C>G (NM_001282549.2); short protein forms T471S, T490S.
Identifiers: ClinVar variation 2757238 (VCV002757238.4), dbSNP rs1379944646, ClinGen allele CA350448479.
Genomic context (GRCh38, chr2:214,767,581, plus strand): 5'-ACTATATCCACATGCCCATTCTTGGCTGCATCGTGAAGTGGTGAGTCATTTTGATACCCG[G>C]TGGTGTTCACCAATGCCTTATGCTGGAGCAATAATTCCACTACCTTCAGGTGCCCATGAT-3'
Protein context (NP_000456.2, residues 480-500): LLQHKALVNT[Thr490Ser]GYQNDSPLHD